The following is an entry in ClinVar:

ClinVar aggregate classification (germline): Likely benign (1 of 4 stars; one submission).

Submission:

GeneDx
Classification: Likely benign. Last evaluated: 2018-02-27. Review status: criteria provided, single submitter. Criteria: GeneDx Variant Classification (06012015). Collection method: clinical testing. Allele origin: germline. Affected: yes.
Comment: This variant is considered likely benign or benign based on one or more of the following criteria: it is a conservative change, it occurs at a poorly conserved position in the protein, it is predicted to be benign by multiple in silico algorithms, and/or has population frequency not consistent with disease.

NM_153717.3(EVC):c.-36_-35delinsAA

Genes: EVC (EvC ciliary complex subunit 1; plus strand), LOC129992144 (ATAC-STARR-seq lymphoblastoid silent region 15223; plus strand). Cytogenetic location: 4p16.2.
Variant type: Indel.
Coding change: c.-36_-35delinsAA on transcript NM_153717.3 (MANE Select); 36 bases upstream of the start codon through 35 bases upstream of the start codon, GC replaced by AA.
Molecular consequence: 5 prime UTR variant.
Genome position (GRCh38, 1-based): chr4:5,711,345-5,711,346, GC replaced by AA. VCF-style: chr4-5711345-GC-AA. GRCh37 (hg19) VCF-style: chr4-5713072-GC-AA.
Other names: c.-36_-35delinsAA (NM_001306090.2, NM_001306092.2).
Identifiers: ClinVar variation 423023 (VCV000423023.1), dbSNP rs1064796174, ClinGen allele CA16618049.